The following is an entry in ClinVar:

ClinVar aggregate classification (germline): Uncertain significance (1 of 4 stars; one submission).

Conditions:
Hypertrophic cardiomyopathy. Also called: HYPERTROPHIC MYOCARDIOPATHY. Identifiers: Orphanet 217569, MedGen C0007194, MeSH D002312, MONDO:0005045, HP:0001639.

Submission:

Labcorp Genetics (formerly Invitae), Labcorp
Classification: Uncertain significance for Hypertrophic cardiomyopathy. Last evaluated: 2025-12-09. Review status: criteria provided, single submitter. Criteria: Invitae Variant Classification Sherloc (09022015). Collection method: clinical testing. Allele origin: germline.
Comment: This sequence change replaces leucine, which is neutral and non-polar, with phenylalanine, which is neutral and non-polar, at codon 832 of the MYH7 protein (p.Leu832Phe). This variant is not present in population databases (gnomAD no frequency). This missense change has been observed in individual(s) with hypertrophic cardiomyopathy (PMID: 30297972, 33586461). ClinVar contains an entry for this variant (Variation ID: 237433). Invitae Evidence Modeling of protein sequence and biophysical properties (such as structural, functional, and spatial information, amino acid conservation, physicochemical variation, residue mobility, and thermodynamic stability) indicates that this missense variant is expected to disrupt MYH7 protein function with a positive predictive value of 95%. This variant is found within a region of MYH7 between codons 181 and 937 that contains the majority of the myosin head domain. Missense variants in this region have been shown to be significantly overrepresented in individuals with hypertrophic cardiomyopathy (PMID: 27532257). In summary, the available evidence is currently insufficient to determine the role of this variant in disease. Therefore, it has been classified as a Variant of Uncertain Significance.

Literature cited by the submitters: PubMed 30297972; PubMed 33586461; PubMed 27532257.

NM_000257.4(MYH7):c.2494C>T (p.Leu832Phe)

Genes: MYH7 (myosin heavy chain 7; minus strand), LOC126861898 (BRD4-independent group 4 enhancer GRCh37_chr14:23893609-23894808; plus strand). Cytogenetic location: 14q11.2.
Variant type: single nucleotide variant.
Coding change: c.2494C>T on transcript NM_000257.4 (MANE Select); coding-DNA position 2494, C replaced by T.
Protein change: p.Leu832Phe; replaces leucine 832 with phenylalanine.
Molecular consequence: missense variant.
Genome position (GRCh38, 1-based): chr14:23,424,954, G>A on the plus strand (C>T on the coding strand, the complement: MYH7 is on the minus strand). VCF-style: chr14-23424954-G-A. GRCh37 (hg19) VCF-style: chr14-23894163-G-A.
Other names: c.2494C>T (LRG_384t1); short protein forms L832F.
Identifiers: ClinVar variation 237433 (VCV000237433.10), dbSNP rs878853837, ClinGen allele CA10583170.